The following is an entry in ClinVar:

NM_172107.4(KCNQ2):c.1242_1244del (p.Pro415del)

Gene: KCNQ2 (potassium voltage-gated channel subfamily Q member 2; minus strand). Cytogenetic location: 20q13.33.
Variant type: Deletion.
Coding change: c.1242_1244del on transcript NM_172107.4 (MANE Select); coding-DNA positions 1242 to 1244, 3 bases deleted (TCC; older notation c.1242_1244delTCC).
Protein change: p.Pro415del; deletes proline 415.
Molecular consequence: inframe deletion.
Genome position (GRCh38, 1-based): chr20:63,424,180-63,424,182, GGA deleted on the plus strand (TCC on the coding strand, the reverse complement: KCNQ2 is on the minus strand); deleting any 3 consecutive bases within chr20:63,424,180-63,424,183 gives the same sequence; the c. name uses the placement nearest the transcript's 3' end. VCF-style (leftmost placement, unchanged base first): chr20-63424179-TGGA-T. GRCh37 (hg19) VCF-style: chr20-62055532-TGGA-T.
Other names: c.1242_1244del, p.Pro415del (NM_001382235.1, NM_172106.3, NM_172108.5); c.1212_1214del, p.Pro405del (NM_004518.6); short protein forms P405del, P415del.
Identifiers: ClinVar variation 1310644 (VCV001310644.2), dbSNP rs2145615490, ClinGen allele CA2573054905.

ClinVar aggregate classification (germline): Uncertain significance (1 of 4 stars; one submission).

Submission:

GeneDx
Classification: Uncertain significance. Last evaluated: 2019-12-02. Review status: criteria provided, single submitter. Criteria: GeneDx Variant Classification Process June 2021. Collection method: clinical testing. Allele origin: germline. Affected: yes.
Comment: Not observed in large population cohorts (Lek et al., 2016); In-frame deletion of 1 amino acid in a non-repeat region; In silico analysis, which includes protein predictors and evolutionary conservation, supports a deleterious effect; Has not been previously published as pathogenic or benign to our knowledge; This variant is predicted to be within the C-terminal cytoplasmic domain